The following is an entry in ClinVar:

NM_006363.6(SEC23B):c.436G>A (p.Ala146Thr)

Genes: SEC23B (SEC23 homolog B, COPII component; plus strand), LOC126862987 (MED14-independent group 3 enhancer GRCh37_chr20:18504796-18505995; plus strand). Cytogenetic location: 20p11.23.
Variant type: single nucleotide variant.
Coding change: c.436G>A on transcript NM_006363.6 (MANE Select); coding-DNA position 436, G replaced by A.
Protein change: p.Ala146Thr; replaces alanine 146 with threonine.
Molecular consequence: missense variant.
Genome position (GRCh38, 1-based): chr20:18,524,502, G>A. VCF-style: chr20-18524502-G-A. GRCh37 (hg19) VCF-style: chr20-18505146-G-A.
Other names: c.436G>A, p.Ala146Thr (NM_001172745.3, NM_032985.6, NM_032986.5); c.382G>A, p.Ala128Thr (NM_001172746.3); short protein forms A128T, A146T.
Identifiers: ClinVar variation 930843 (VCV000930843.3), dbSNP rs2060116077, ClinGen allele CA408357970.

ClinVar aggregate classification (germline): Uncertain significance (1 of 4 stars; one submission).

Conditions:
Congenital dyserythropoietic anemia, type II (CDAN2). Also called: DYSERYTHROPOIETIC ANEMIA, HEMPAS TYPE. Identifiers: Orphanet 98873, MedGen C1306589, MONDO:0009134, OMIM 224100.

Allele frequency attached by ClinVar (database versions not stated): gnomAD exomes below 0.00001.
gnomAD v4.1: 1 of 1,614,138 alleles (0.000062%); highest among the groups gnomAD compares: Non-Finnish European, 0.000085%; no homozygotes.

Submission:

Centre for Mendelian Genomics, University Medical Centre Ljubljana
Classification: Uncertain significance for Congenital dyserythropoietic anemia, type II. Last evaluated: 2019-04-05. Review status: criteria provided, single submitter. Criteria: ACMG Guidelines, 2015. Collection method: clinical testing. Allele origin: unknown. Affected: yes.
Comment: This variant was classified as: Uncertain significance. The available evidence on this variant's pathogenicity is insufficient or conflicting. The following ACMG criteria were applied in classifying this variant: PM2.